The following is an entry in ClinVar:

ClinVar aggregate classification (germline): Conflicting classifications of pathogenicity. Review status: criteria provided, conflicting classifications (1 of 4 stars). 2 submissions from 2 submitters: Uncertain significance (1); Likely benign (1). Last evaluated 2025-07-25.

Conditions:
Hereditary pheochromocytoma and paraganglioma. Also called: Hereditary paragangliomas and pheochromocytomas; Hereditary pheochromocytoma-paraganglioma; Hereditary Paraganglioma-Pheochromocytoma Syndromes. Identifiers: Orphanet 29072, MedGen C4274332, MONDO:0017366.
Hereditary cancer-predisposing syndrome. Also called: Tumor predisposition; Neoplastic Syndromes, Hereditary; Hereditary Cancer Syndrome; Hereditary neoplastic syndrome. Identifiers: Orphanet 140162, MedGen C0027672, MeSH D009386, MONDO:0015356.

Submissions (2):

Labcorp Genetics (formerly Invitae), Labcorp
Classification: Likely benign for Hereditary pheochromocytoma and paraganglioma. Last evaluated: 2025-07-25. Review status: criteria provided, single submitter. Criteria: Invitae Variant Classification Sherloc (09022015). Collection method: clinical testing. Allele origin: germline.

Ambry Genetics
Classification: Uncertain significance for Hereditary cancer-predisposing syndrome. Last evaluated: 2022-12-06. Review status: criteria provided, single submitter. Criteria: Ambry Variant Classification Scheme 2023. Collection method: clinical testing. Allele origin: germline.
Comment: The c.249C>T variant (also known as p.C83C), located in coding exon 2 of the SDHAF2 gene, results from a C to T substitution at nucleotide position 249. This nucleotide substitution does not change the at codon 83. This nucleotide position is highly conserved in available vertebrate species. In silico splice site analysis for this alteration is inconclusive. Direct RNA evidence is insufficient at this time (Ambry internal data). Since supporting evidence is limited at this time, the clinical significance of this alteration remains unclear.

NM_017841.4(SDHAF2):c.249C>T (p.Cys83=)

Gene: SDHAF2 (succinate dehydrogenase complex assembly factor 2; plus strand). Cytogenetic location: 11q12.2.
Variant type: single nucleotide variant.
Coding change: c.249C>T on transcript NM_017841.4 (MANE Select); coding-DNA position 249, C replaced by T.
Protein change: p.Cys83=; no amino-acid change (cysteine 83 retained).
Molecular consequence: synonymous variant.
Genome position (GRCh38, 1-based): chr11:61,437,837, C>T. VCF-style: chr11-61437837-C-T. GRCh37 (hg19) VCF-style: chr11-61205309-C-T.
Other names: c.249C>T (NM_017841.2).
Identifiers: ClinVar variation 1081787 (VCV001081787.10), dbSNP rs2134892531, ClinGen allele CA474803012.